The following is an entry in ClinVar:

ClinVar aggregate classification (germline): Benign (0 of 4 stars; one submission).

Conditions:
MYO7B-related disorder. Also called: MYO7B-related condition.

Allele frequency attached by ClinVar (database versions not stated): gnomAD exomes 0.00073; ExAC 0.00185; gnomAD 0.00546; 1000 Genomes Project 30x 0.00578; TOPMed 0.00600; ESP Exome Variant Server 0.00601; 1000 Genomes Project 0.00659.
gnomAD v4.1: 1,931 of 1,613,528 alleles (0.12%); highest among the groups gnomAD compares: African/African-American, 1.8%; 15 homozygotes.

Submission:

PreventionGenetics, part of Exact Sciences
Classification: Benign for MYO7B-related condition. Last evaluated: 2019-09-25. Review status: no assertion criteria provided. Collection method: clinical testing. Allele origin: germline.
Comment: This variant is classified as benign based on ACMG/AMP sequence variant interpretation guidelines (Richards et al. 2015 PMID: 25741868, with internal and published modifications).

NM_001393586.1(MYO7B):c.2724C>T (p.Thr908=)

Gene: MYO7B (myosin VIIB; plus strand). Cytogenetic location: 2q14.3.
Variant type: single nucleotide variant.
Coding change: c.2724C>T on transcript NM_001393586.1 (MANE Select); coding-DNA position 2724, C replaced by T.
Protein change: p.Thr908=; no amino-acid change (threonine 908 retained).
Molecular consequence: synonymous variant.
Genome position (GRCh38, 1-based): chr2:127,608,788, C>T. VCF-style: chr2-127608788-C-T. GRCh37 (hg19) VCF-style: chr2-128366363-C-T.
Other names: c.2724C>T, p.Thr908= (NM_001080527.2).
Identifiers: ClinVar variation 3040122 (VCV003040122.2), dbSNP rs138959423, ClinGen allele CA1861206.